The following is an entry in ClinVar:

ClinVar aggregate classification (germline): Uncertain significance (1 of 4 stars; one submission).

Conditions:
Developmental and epileptic encephalopathy, 14 (DEE14). Also called: Early infantile epileptic encephalopathy 14. Identifiers: Orphanet 293181, MedGen C3554195, MONDO:0013989, OMIM 614959.
Autosomal dominant nocturnal frontal lobe epilepsy 5. Also called: Epilepsy, nocturnal frontal lobe, 5; CILIARY DYSKINESIA, PRIMARY, 28, WITH SITUS INVERSUS; CILIARY DYSKINESIA, PRIMARY, 28, WITHOUT SITUS INVERSUS; KCNT1-Related Epilepsy. Identifiers: Orphanet 98784, MedGen C3554306, MONDO:0014002, OMIM 615005.

gnomAD v4.1: 1 of 1,591,288 alleles (0.000063%); highest among the groups gnomAD compares: Non-Finnish European, 0.000085%; no homozygotes.

Submission:

Labcorp Genetics (formerly Invitae), Labcorp
Classification: Uncertain significance for Autosomal dominant nocturnal frontal lobe epilepsy 5; Developmental and epileptic encephalopathy, 14. Last evaluated: 2024-10-23. Review status: criteria provided, single submitter. Criteria: Invitae Variant Classification Sherloc (09022015). Collection method: clinical testing. Allele origin: germline.
Comment: This sequence change replaces arginine, which is basic and polar, with serine, which is neutral and polar, at codon 1137 of the KCNT1 protein (p.Arg1137Ser). The frequency data for this variant in the population databases is considered unreliable, as metrics indicate poor data quality at this position in the gnomAD database. This variant has not been reported in the literature in individuals affected with KCNT1-related conditions. ClinVar contains an entry for this variant (Variation ID: 2039629). Invitae Evidence Modeling of protein sequence and biophysical properties (such as structural, functional, and spatial information, amino acid conservation, physicochemical variation, residue mobility, and thermodynamic stability) indicates that this missense variant is not expected to disrupt KCNT1 protein function with a negative predictive value of 80%. In summary, the available evidence is currently insufficient to determine the role of this variant in disease. Therefore, it has been classified as a Variant of Uncertain Significance.

NM_020822.3(KCNT1):c.3409C>A (p.Arg1137Ser)

Gene: KCNT1 (potassium sodium-activated channel subfamily T member 1; plus strand). Cytogenetic location: 9q34.3.
Variant type: single nucleotide variant.
Coding change: c.3409C>A on transcript NM_020822.3 (MANE Select); coding-DNA position 3409, C replaced by A.
Protein change: p.Arg1137Ser; replaces arginine 1137 with serine.
Molecular consequence: missense variant.
Genome position (GRCh38, 1-based): chr9:135,786,428, C>A. VCF-style: chr9-135786428-C-A. GRCh37 (hg19) VCF-style: chr9-138678274-C-A.
Other names: c.3274C>A, p.Arg1092Ser (NM_001272003.2); short protein forms R1092S, R1137S.
Identifiers: ClinVar variation 2039629 (VCV002039629.4), dbSNP rs779430817, ClinGen allele CA5327807.
Genomic context (GRCh38, chr9:135,786,428, plus strand): 5'-AGCCGCAAGGCGCCCAAGCAGGCAGGCCGGGCGGCGGCCGCGGAGTGGATCAGCCAGCAG[C>A]GCCTCAGCCTGTACCGGCGCTCTGAGCGCCAGGAGCTCTCCGAGCTGGTGAAGAACCGCA-3'
Protein context (NP_065873.2, residues 1127-1147): AAAAEWISQQ[Arg1137Ser]LSLYRRSERQ